The following is an entry in ClinVar:

NM_000883.4(IMPDH1):c.968A>C (p.Lys323Thr)

Gene: IMPDH1 (inosine monophosphate dehydrogenase 1; minus strand). Cytogenetic location: 7q32.1.
Variant type: single nucleotide variant.
Coding change: c.968A>C on transcript NM_000883.4 (MANE Select); coding-DNA position 968, A replaced by C.
Protein change: p.Lys323Thr; replaces lysine 323 with threonine.
Molecular consequence: missense variant.
Genome position (GRCh38, 1-based): chr7:128,398,520, T>G on the plus strand (A>C on the coding strand, the complement: IMPDH1 is on the minus strand). VCF-style: chr7-128398520-T-G. GRCh37 (hg19) VCF-style: chr7-128038574-T-G.
Other names: c.938A>C, p.Lys313Thr (NM_001102605.2); c.713A>C, p.Lys238Thr (NM_001142573.2); c.698A>C, p.Lys233Thr (NM_001142574.2); c.638A>C, p.Lys213Thr (NM_001142575.2); c.869A>C, p.Lys290Thr (NM_001142576.2); c.761A>C, p.Lys254Thr (NM_001304521.2); c.860A>C, p.Lys287Thr (NM_183243.3); short protein forms K213T, K238T, K323T, K290T, K233T, K254T, K287T, K313T.
Identifiers: ClinVar variation 931699 (VCV000931699.3), dbSNP rs1798086782, ClinGen allele CA369169020.

ClinVar aggregate classification (germline): Uncertain significance (1 of 4 stars; one submission).

Conditions:
Leber congenital amaurosis 11 (LCA11). Identifiers: Orphanet 65, MedGen C1840284, MONDO:0013454, OMIM 613837.

Submission:

Centre for Mendelian Genomics, University Medical Centre Ljubljana
Classification: Uncertain significance for Leber congenital amaurosis 11. Last evaluated: 2019-08-12. Review status: criteria provided, single submitter. Criteria: ACMG Guidelines, 2015. Collection method: clinical testing. Allele origin: unknown. Affected: yes.
Comment: This variant was classified as: Uncertain significance. The available evidence favors the pathogenic nature of this variant, however the currently available data is insufficient to conclusively support its pathogenic nature. Thus this variant is classified as Uncertain significance - favor pathogenic. The following ACMG criteria were applied in classifying this variant: PM2,PM5,PP3.